The following is an entry in ClinVar:

NM_018668.5(VPS33B):c.1654A>C (p.Thr552Pro)

Gene: VPS33B (VPS33B late endosome and lysosome associated; minus strand). Cytogenetic location: 15q26.1.
Variant type: single nucleotide variant.
Coding change: c.1654A>C on transcript NM_018668.5 (MANE Select); coding-DNA position 1654, A replaced by C.
Protein change: p.Thr552Pro; replaces threonine 552 with proline.
Molecular consequence: missense variant.
Genome position (GRCh38, 1-based): chr15:90,999,903, T>G on the plus strand (A>C on the coding strand, the complement: VPS33B is on the minus strand). VCF-style: chr15-90999903-T-G. GRCh37 (hg19) VCF-style: chr15-91543133-T-G.
Other names: c.1573A>C, p.Thr525Pro (NM_001289148.1); c.1381A>C, p.Thr461Pro (NM_001289149.1); short protein forms T552P, T461P, T525P.
Identifiers: ClinVar variation 2182822 (VCV002182822.2), dbSNP rs770408602, ClinGen allele CA7744562.

ClinVar aggregate classification (germline): Uncertain significance (1 of 4 stars; one submission).

Allele frequency attached by ClinVar (database versions not stated): ExAC 0.00002; gnomAD 0.00004; TOPMed 0.00004.
gnomAD v4.1: 119 of 1,614,064 alleles (0.0074%); highest among the groups gnomAD compares: Non-Finnish European, 0.0092%; 1 homozygote.

Submission:

Labcorp Genetics (formerly Invitae), Labcorp
Classification: Uncertain significance. Last evaluated: 2022-09-28. Review status: criteria provided, single submitter. Criteria: Invitae Variant Classification Sherloc (09022015). Collection method: clinical testing. Allele origin: germline.
Comment: This sequence change replaces threonine, which is neutral and polar, with proline, which is neutral and non-polar, at codon 552 of the VPS33B protein (p.Thr552Pro). In summary, the available evidence is currently insufficient to determine the role of this variant in disease. Therefore, it has been classified as a Variant of Uncertain Significance. Advanced modeling of protein sequence and biophysical properties (such as structural, functional, and spatial information, amino acid conservation, physicochemical variation, residue mobility, and thermodynamic stability) performed at Invitae indicates that this missense variant is not expected to disrupt VPS33B protein function. This variant has not been reported in the literature in individuals affected with VPS33B-related conditions. This variant is present in population databases (rs770408602, gnomAD 0.005%).